The following is an entry in ClinVar:

ClinVar aggregate classification (germline): Pathogenic (1 of 4 stars; one submission).

Conditions:
Mowat-Wilson syndrome (MOWS). Also called: Classic Mowat-Wilson Syndrome. Identifiers: Orphanet 2152, MedGen C1856113, MONDO:0009341, OMIM 235730.

Submission:

Labcorp Genetics (formerly Invitae), Labcorp
Classification: Pathogenic for Mowat-Wilson syndrome. Last evaluated: 2021-03-12. Review status: criteria provided, single submitter. Criteria: Invitae Variant Classification Sherloc (09022015). Collection method: clinical testing. Allele origin: germline.
Comment: For these reasons, this variant has been classified as Pathogenic. This sequence change creates a premature translational stop signal (p.Leu708Trpfs*8) in the ZEB2 gene. It is expected to result in an absent or disrupted protein product. Loss-of-function variants in ZEB2 are known to be pathogenic (PMID: 16053902). This variant is not present in population databases (ExAC no frequency). This variant has not been reported in the literature in individuals with ZEB2-related conditions.

Literature cited by the submitters: PubMed 16053902.

NM_014795.4(ZEB2):c.2122del (p.Leu708fs)

Gene: ZEB2 (zinc finger E-box binding homeobox 2; minus strand). Cytogenetic location: 2q22.3.
Variant type: Deletion.
Coding change: c.2122del on transcript NM_014795.4 (MANE Select); coding-DNA position 2122, one base deleted (C; older notation c.2122delC).
Protein change: p.Leu708fs; shifts the reading frame from leucine 708.
Molecular consequence: frameshift variant.
Genome position (GRCh38, 1-based): chr2:144,399,065, G deleted on the plus strand (C on the coding strand, the reverse complement: ZEB2 is on the minus strand); the first of 3 consecutive G bases (chr2:144,399,065-144,399,067); deleting any one gives the same sequence. VCF-style (leftmost placement, unchanged base first): chr2-144399064-AG-A. GRCh37 (hg19) VCF-style: chr2-145156631-AG-A.
Other names: c.2050del, p.Leu684fs (NM_001171653.2); short protein forms L684fs, L708fs.
Identifiers: ClinVar variation 1439087 (VCV001439087.6), dbSNP rs2149876829, ClinGen allele CA2573133276.